The following is an entry in ClinVar:

NC_000002.11:g.(?_234224701)_(234224801_?)del

Gene: SAG (S-antigen visual arrestin; plus strand). Cytogenetic location: 2q37.1.
Variant type: Deletion.
Identifiers: ClinVar variation 2423272 (VCV002423272.3).

ClinVar aggregate classification (germline): Pathogenic (1 of 4 stars; one submission).

Submission:

Labcorp Genetics (formerly Invitae), Labcorp
Classification: Pathogenic. Last evaluated: 2022-10-17. Review status: criteria provided, single submitter. Criteria: Invitae Variant Classification Sherloc (09022015). Collection method: clinical testing. Allele origin: germline.
Comment: This variant is a gross deletion of the genomic region encompassing exon(s) 3 of the SAG gene. This deletion is out-of-frame, and is expected to create a premature termination codon and result in an absent or disrupted protein product. Loss-of-function variants in SAG are known to be pathogenic (PMID: 9452120, 15234147, 22665972). This variant has not been observed in the literature in individuals with autosomal recessive SAG-related conditions. This variant has been reported in individual(s) with clinical features of autosomal dominant retinitis pigmentosa (Invitae); however, the role of the variant in this condition is currently unclear. For these reasons, this variant has been classified as Pathogenic.

Literature cited by the submitters: PubMed 9452120; PubMed 15234147; PubMed 22665972.